The following is an entry in ClinVar:

ClinVar aggregate classification (germline): Likely pathogenic (1 of 4 stars; one submission).

Conditions:
Autosomal recessive polycystic kidney disease (ARPKD). Also called: AR polycystic kidney disease. Identifiers: Orphanet 731, Orphanet 8378, MedGen C0085548, MeSH D017044, MONDO:0009889.

Submission:

Natera, Inc.
Classification: Likely pathogenic for Autosomal recessive polycystic kidney disease. Last evaluated: 2025-02-17. Review status: criteria provided, single submitter. Criteria: Natera Variant Classification Schema (03/2026). Collection method: clinical testing. Allele origin: germline.
Comment: The c.4422del variant in PKHD1 is a frameshift variant predicted to shift the reading frame beginning at codon 1475 and leads to a stop codon 6 codons downstream. This variant is expected to result in nonsense mediated decay, truncation, or a dysfunctional protein product. This variant is rare in the general population with a frequency below the threshold expected for the associated phenotype(s). Given the available evidence, this variant is classified as Likely Pathogenic.

NM_138694.4(PKHD1):c.4422del (p.Asn1475fs)

Gene: PKHD1 (PKHD1 ciliary IPT domain containing fibrocystin/polyductin; minus strand). Cytogenetic location: 6p12.2.
Variant type: Deletion.
Coding change: c.4422del on transcript NM_138694.4 (MANE Select); coding-DNA position 4422, one base deleted (G; older notation c.4422delG).
Protein change: p.Asn1475fs; shifts the reading frame from asparagine 1475.
Molecular consequence: frameshift variant.
Genome position (GRCh38, 1-based): chr6:52,025,388, C deleted on the plus strand (G on the coding strand, the reverse complement: PKHD1 is on the minus strand); the first of 4 consecutive C bases (chr6:52,025,388-52,025,391); deleting any one gives the same sequence. VCF-style (leftmost placement, unchanged base first): chr6-52025387-TC-T. GRCh37 (hg19) VCF-style: chr6-51890185-TC-T.
Other names: c.4422del, p.Asn1475fs (NM_170724.3); short protein forms N1475fs.
Identifiers: ClinVar variation 4060251 (VCV004060251.2).